The following is an entry in ClinVar:

ClinVar aggregate classification (germline): Pathogenic (1 of 4 stars; one submission).

Submission:

Labcorp Genetics (formerly Invitae), Labcorp
Classification: Pathogenic. Last evaluated: 2022-07-05. Review status: criteria provided, single submitter. Criteria: Invitae Variant Classification Sherloc (09022015). Collection method: clinical testing. Allele origin: germline.
Comment: This variant is a gross deletion of the genomic region encompassing exon(s) 9 of the IMPG2 gene. This variant would be expected to be in-frame, preserving the integrity of the reading frame. A similar copy number variant has been observed in individual(s) with autosomal recessive retinitis pigmentosa (PMID: 20673862, 24876279). It has also been observed to segregate with disease in related individuals. For these reasons, this variant has been classified as Pathogenic.

Literature cited by the submitters: PubMed 20673862; PubMed 24876279.

NC_000003.11:g.(?_100986335)_(100986395_?)del

Gene: IMPG2 (interphotoreceptor matrix proteoglycan 2; minus strand). Cytogenetic location: 3q12.3.
Variant type: Deletion.
Identifiers: ClinVar variation 1454009 (VCV001454009.6).